The following is an entry in ClinVar:

NM_000179.3(MSH6):c.3556+1G>C

Gene: MSH6 (mutS homolog 6; plus strand). Cytogenetic location: 2p16.3.
Variant type: single nucleotide variant.
Coding change: c.3556+1G>C on transcript NM_000179.3 (MANE Select); the canonical splice donor site of the intron after coding-DNA position 3556, G replaced by C.
Molecular consequence: splice donor variant.
Genome position (GRCh38, 1-based): chr2:47,805,028, G>C. VCF-style: chr2-47805028-G-C. GRCh37 (hg19) VCF-style: chr2-48032167-G-C.
Other names: c.3556+1G>C (NM_001406809.1, NM_001406796.1, NM_001406808.1 and 1 more transcripts); c.2650+1G>C (NM_001406811.1, NM_001406814.1, NM_001281493.2 and 6 more transcripts); c.3259+1G>C (NM_001406805.1, NM_001406797.1, NM_001406801.1 and 10 more transcripts); c.3652+1G>C (NM_001406795.1, NM_001406802.1); c.3562+1G>C (NM_001406813.1); c.3031+1G>C (NM_001406807.1, NM_001406799.1, NM_001406806.1); c.3382+1G>C (NM_001406798.1); c.2692+1G>C (NM_001406803.1); and 7 more.
Identifiers: ClinVar variation 572617 (VCV000572617.7), dbSNP rs1060502926, ClinGen allele CA346760280.
Genomic context (GRCh38, chr2:47,805,028, plus strand): 5'-GGCTCACACCAATTGATAGAGTGTTTACTAGACTTGGTGCCTCAGACAGAATAATGTCAG[G>C]TGAGTTTTTTGTTTCCCACTTAAGTTCTCATTCAGTCATTTAGATGTGATAAAAGATATT-3'

ClinVar aggregate classification (germline): Pathogenic (1 of 4 stars; one submission).

Conditions:
Hereditary nonpolyposis colorectal neoplasms. Identifiers: MedGen C0009405, MeSH D003123.

Allele frequency attached by ClinVar (database versions not stated): gnomAD exomes below 0.00001.
gnomAD v4.1: 2 of 1,607,140 alleles (0.00012%); highest among the groups gnomAD compares: Non-Finnish European, 0.000085%; no homozygotes.

Submission:

Labcorp Genetics (formerly Invitae), Labcorp
Classification: Pathogenic for Hereditary nonpolyposis colorectal neoplasms. Last evaluated: 2024-02-16. Review status: criteria provided, single submitter. Criteria: Invitae Variant Classification Sherloc (09022015). Collection method: clinical testing. Allele origin: germline.
Comment: This sequence change affects a donor splice site in intron 6 of the MSH6 gene. RNA analysis indicates that disruption of this splice site induces altered splicing and may result in an absent or disrupted protein product. This variant is not present in population databases (gnomAD no frequency). Disruption of this splice site has been observed in individuals with Lynch syndrome (PMID: 26436112; Invitae). ClinVar contains an entry for this variant (Variation ID: 572617). Studies have shown that disruption of this splice site results in skipping of exon 6 and introduces a premature termination codon (Invitae). The resulting mRNA is expected to undergo nonsense-mediated decay. For these reasons, this variant has been classified as Pathogenic.

Literature cited by the submitters: PubMed 26436112.